The following is an entry in ClinVar:

ClinVar aggregate classification (germline): Uncertain significance. Review status: criteria provided, multiple submitters, no conflicts (2 of 4 stars). 2 submissions from 2 submitters: Uncertain significance (2). Last evaluated 2026-07-07.

Conditions:
Hereditary cancer-predisposing syndrome. Also called: Hereditary neoplastic syndrome; Neoplastic Syndromes, Hereditary; Tumor predisposition; Hereditary Cancer Syndrome. Identifiers: Orphanet 140162, MedGen C0027672, MeSH D009386, MONDO:0015356.
Inflammatory skin and bowel disease, neonatal, 2 (NNCIS). Identifiers: Orphanet 294023, MedGen C4015130, MONDO:0014481, OMIM 616069.
Lung cancer. Also called: Lung cancer, somatic; Malignant tumor of lung. Identifiers: MedGen C0242379, MONDO:0008903, OMIM 211980.

gnomAD v4.1: 3 of 1,614,054 alleles (0.00019%); highest among the groups gnomAD compares: Non-Finnish European, 0.00017%; no homozygotes.

Submissions (2):

Ambry Genetics
Classification: Uncertain significance for Hereditary cancer-predisposing syndrome. Last evaluated: 2026-07-07. Review status: criteria provided, single submitter. Criteria: Ambry Variant Classification Scheme 2023. Collection method: clinical testing. Allele origin: germline.
Comment: The p.Q657H variant (also known as c.1971G>C), located in coding exon 16 of the EGFR gene, results from a G to C substitution at nucleotide position 1971. The glutamine at codon 657 is replaced by histidine, an amino acid with highly similar properties. This amino acid position is conserved. In addition, this alteration is predicted to be tolerated by in silico analysis. Based on the available evidence, the clinical significance of this variant remains unclear.

Fulgent Genetics
Classification: Uncertain significance for Lung cancer; Inflammatory skin and bowel disease, neonatal, 2. Last evaluated: 2024-05-31. Review status: criteria provided, single submitter. Criteria: ACMG Guidelines, 2015. Collection method: clinical testing. Allele origin: germline.

NM_005228.5(EGFR):c.1881-778G>C

Gene: EGFR (epidermal growth factor receptor; plus strand). Cytogenetic location: 7p11.2.
Variant type: single nucleotide variant.
Coding change: c.1881-778G>C on transcript NM_005228.5 (MANE Select); 778 bases into the intron before coding-DNA position 1881, G replaced by C.
Molecular consequence: intron variant. On other transcripts: missense variant (1).
Genome position (GRCh38, 1-based): chr7:55,170,397, G>C. VCF-style: chr7-55170397-G-C. GRCh37 (hg19) VCF-style: chr7-55238090-G-C.
Other names: c.1971G>C (NM_201284.1); c.1971G>C, p.Gln657His (NM_201284.2); c.1746-778G>C (NM_001346899.2, NM_001346897.2); c.1080-778G>C (NM_001346941.2); c.1881-778G>C (NM_001346898.2); c.1722-778G>C (NM_001346900.2); short protein forms Q657H.
Identifiers: ClinVar variation 3594731 (VCV003594731.2).